The following is an entry in ClinVar:

NM_017534.6(MYH2):c.5777T>G (p.Leu1926Arg)

Genes: MYH2 (myosin heavy chain 2; minus strand), MYHAS (myosin heavy chain gene cluster antisense RNA; plus strand). Cytogenetic location: 17p13.1.
Variant type: single nucleotide variant.
Coding change: c.5777T>G on transcript NM_017534.6 (MANE Select); coding-DNA position 5777, T replaced by G.
Protein change: p.Leu1926Arg; replaces leucine 1926 with arginine.
Molecular consequence: missense variant.
Genome position (GRCh38, 1-based): chr17:10,521,329, A>C on the plus strand (T>G on the coding strand, the complement: MYH2 is on the minus strand). VCF-style: chr17-10521329-A-C. GRCh37 (hg19) VCF-style: chr17-10424646-A-C.
Other names: c.5777T>G, p.Leu1926Arg (NM_001100112.2); short protein forms L1926R.
Identifiers: ClinVar variation 1519468 (VCV001519468.8), dbSNP rs756130400, ClinGen allele CA8390311.

ClinVar aggregate classification (germline): Uncertain significance (1 of 4 stars; one submission).

Conditions:
Myopathy, proximal, and ophthalmoplegia (CMYO6). Also called: MYOPATHY WITH CONGENITAL JOINT CONTRACTURES, OPHTHALMOPLEGIA, AND RIMMED VACUOLES; INCLUSION BODY MYOPATHY 3, AUTOSOMAL DOMINANT; CONGENITAL MYOPATHY 6 WITH OPHTHALMOPLEGIA. Identifiers: Orphanet 363677, Orphanet 79091, MedGen C1854106, MONDO:0011577, OMIM 605637.

Allele frequency attached by ClinVar (database versions not stated): gnomAD 0.00001; TOPMed 0.00001; ExAC 0.00010.
gnomAD v4.1: 19 of 1,614,010 alleles (0.0012%); highest among the groups gnomAD compares: Non-Finnish European, 0.0015%; no homozygotes.

Submission:

Labcorp Genetics (formerly Invitae), Labcorp
Classification: Uncertain significance for Myopathy, proximal, and ophthalmoplegia. Last evaluated: 2025-04-01. Review status: criteria provided, single submitter. Criteria: Invitae Variant Classification Sherloc (09022015). Collection method: clinical testing. Allele origin: germline.
Comment: This sequence change replaces leucine, which is neutral and non-polar, with arginine, which is basic and polar, at codon 1926 of the MYH2 protein (p.Leu1926Arg). This variant is present in population databases (rs756130400, gnomAD 0.01%). This variant has not been reported in the literature in individuals affected with MYH2-related conditions. ClinVar contains an entry for this variant (Variation ID: 1519468). Invitae Evidence Modeling of protein sequence and biophysical properties (such as structural, functional, and spatial information, amino acid conservation, physicochemical variation, residue mobility, and thermodynamic stability) indicates that this missense variant is expected to disrupt MYH2 protein function with a positive predictive value of 80%. In summary, the available evidence is currently insufficient to determine the role of this variant in disease. Therefore, it has been classified as a Variant of Uncertain Significance.